The following is an entry in ClinVar:

ClinVar aggregate classification (germline): Uncertain significance. Review status: criteria provided, single submitter (1 of 4 stars). 2 submissions from 2 submitters: Uncertain significance (1). 1 of the submissions does not count toward it. Last evaluated 2021-11-03.

Conditions:
XPC-related disorder. Also called: XPC-related condition.

Allele frequency attached by ClinVar (database versions not stated): gnomAD 0.00006 and 0.00007; gnomAD exomes 0.00006 and 0.00015; TOPMed 0.00014; 1000 Genomes Project 30x 0.00016; ExAC 0.00018; 1000 Genomes Project 0.00020.
gnomAD v4.1: 99 of 1,610,864 alleles (0.0061%); highest among the groups gnomAD compares: East Asian, 0.13%; 1 homozygote.

Submissions (2):

Institute for Clinical Genetics, University Hospital TU Dresden, University Hospital TU Dresden
Classification: Uncertain significance. Last evaluated: 2021-11-03. Review status: criteria provided, single submitter. Criteria: ACMG Guidelines, 2015. Collection method: clinical testing. Allele origin: germline.

PreventionGenetics, part of Exact Sciences
Classification: Likely benign for XPC-related condition. Last evaluated: 2022-02-15. Review status: no assertion criteria provided. Collection method: clinical testing. Allele origin: germline. Not counted in ClinVar's aggregate classification.
Comment: This variant is classified as likely benign based on ACMG/AMP sequence variant interpretation guidelines (Richards et al. 2015 PMID: 25741868, with internal and published modifications).

NM_004628.5(XPC):c.572G>A (p.Arg191Gln)

Gene: XPC (XPC complex subunit, DNA damage recognition and repair factor; minus strand). Cytogenetic location: 3p25.1.
Variant type: single nucleotide variant.
Coding change: c.572G>A on transcript NM_004628.5 (MANE Select); coding-DNA position 572, G replaced by A.
Protein change: p.Arg191Gln; replaces arginine 191 with glutamine.
Molecular consequence: missense variant. On other transcripts: 5 prime UTR variant (1), non-coding transcript variant (2).
Genome position (GRCh38, 1-based): chr3:14,167,218, C>T on the plus strand (G>A on the coding strand, the complement: XPC is on the minus strand). VCF-style: chr3-14167218-C-T. GRCh37 (hg19) VCF-style: chr3-14208718-C-T.
Other names: c.-8G>A (NM_001354726.2); c.572G>A, p.Arg191Gln (NM_001354727.2, NM_001354730.2); c.554G>A, p.Arg185Gln (NM_001354729.2); short protein forms R185Q, R191Q.
Identifiers: ClinVar variation 1319090 (VCV001319090.5), dbSNP rs575874780, ClinGen allele CA2267666.